The following is an entry in ClinVar:

NM_000492.4(CFTR):c.3192_3276del (p.Leu1065fs)

Genes: CFTR (CF transmembrane conductance regulator; plus strand), CFTR-AS2 (CFTR antisense RNA 2; minus strand), LOC111674472 (DNase I hypersensitive sites in introns 16 and 17a of CFTR; plus strand). Cytogenetic location: 7q31.2.
Variant type: Deletion.
Coding change: c.3192_3276del on transcript NM_000492.4 (MANE Select); coding-DNA positions 3192 to 3276, 85 bases deleted.
Protein change: p.Leu1065fs; shifts the reading frame from leucine 1065.
Molecular consequence: frameshift variant.
Genome position (GRCh38, 1-based): chr7:117,611,633-117,611,717, 85 bases deleted. GRCh37 (hg19): chr7:117,251,687-117,251,771.
Other names: c.3192_3276del (NM_000492.3); c.3192_3276del85, p.Leu1065Cysfs (NM_000492.3); short protein forms L1065fs.
Identifiers: ClinVar variation 2725212 (VCV002725212.4), dbSNP rs2485130293, ClinGen allele CA2697557585.

ClinVar aggregate classification (germline): Pathogenic/Likely pathogenic. Review status: criteria provided, multiple submitters, no conflicts (2 of 4 stars). 2 submissions from 2 submitters: Pathogenic (1); Likely pathogenic (1). Last evaluated 2025-08-04.

Conditions:
Cystic fibrosis (CF). Also called: MUCOVISCIDOSIS. Identifiers: Orphanet 586, MedGen C0010674, MONDO:0009061, OMIM 219700. Disease mechanism: loss of function.
CFTR-related disorder (CFTR-RD). Also called: CFTR-related disorders; CFTR-related condition. Identifiers: MedGen C5924204, MONDO:7770004.

Submissions (2):

Natera, Inc.
Classification: Likely pathogenic for CFTR-related disorders. Last evaluated: 2025-08-04. Review status: criteria provided, single submitter. Criteria: Natera Variant Classification Schema (03/2026). Collection method: clinical testing. Allele origin: germline.
Comment: The c.3192_3276del variant in CFTR is a frameshift variant predicted to shift the reading frame beginning at codon 1065 and leads to a stop codon 9 codons downstream. This variant is expected to result in nonsense mediated decay, truncation, or a dysfunctional protein product. This variant is rare in the general population with a frequency below the threshold expected for the associated phenotype(s). Given the available evidence, this variant is classified as Likely Pathogenic.

Labcorp Genetics (formerly Invitae), Labcorp
Classification: Pathogenic for Cystic fibrosis. Last evaluated: 2023-05-25. Review status: criteria provided, single submitter. Criteria: Invitae Variant Classification Sherloc (09022015). Collection method: clinical testing. Allele origin: germline.
Comment: For these reasons, this variant has been classified as Pathogenic. This variant has not been reported in the literature in individuals affected with CFTR-related conditions. This variant is not present in population databases (gnomAD no frequency). This sequence change creates a premature translational stop signal (p.Leu1065Cysfs*9) in the CFTR gene. It is expected to result in an absent or disrupted protein product. Loss-of-function variants in CFTR are known to be pathogenic (PMID: 1695717, 7691345, 9725922).

Literature cited by the submitters: PubMed 1695717 (cited by Labcorp Genetics (formerly Invitae), Labcorp); PubMed 7691345 (cited by Labcorp Genetics (formerly Invitae), Labcorp); PubMed 9725922 (cited by Labcorp Genetics (formerly Invitae), Labcorp).